The following is an entry in ClinVar:

NM_000440.3(PDE6A):c.979G>A (p.Glu327Lys)

Gene: PDE6A (phosphodiesterase 6A; minus strand). Cytogenetic location: 5q32.
Variant type: single nucleotide variant.
Coding change: c.979G>A on transcript NM_000440.3 (MANE Select); coding-DNA position 979, G replaced by A.
Protein change: p.Glu327Lys; replaces glutamic acid 327 with lysine.
Molecular consequence: missense variant.
Genome position (GRCh38, 1-based): chr5:149,914,962, C>T on the plus strand (G>A on the coding strand, the complement: PDE6A is on the minus strand). VCF-style: chr5-149914962-C-T. GRCh37 (hg19) VCF-style: chr5-149294525-C-T.
Other names: c.736G>A, p.Glu246Lys (NM_001410788.1); short protein forms E246K, E327K.
Identifiers: ClinVar variation 2802171 (VCV002802171.3), dbSNP rs2480630986, ClinGen allele CA361699144.

ClinVar aggregate classification (germline): Uncertain significance (1 of 4 stars; one submission).

gnomAD v4.1: 1 of 1,609,476 alleles (0.000062%); no homozygotes.

Submission:

Labcorp Genetics (formerly Invitae), Labcorp
Classification: Uncertain significance. Last evaluated: 2023-11-16. Review status: criteria provided, single submitter. Criteria: Invitae Variant Classification Sherloc (09022015). Collection method: clinical testing. Allele origin: germline.
Comment: This sequence change replaces glutamic acid, which is acidic and polar, with lysine, which is basic and polar, at codon 327 of the PDE6A protein (p.Glu327Lys). This variant is not present in population databases (gnomAD no frequency). This variant has not been reported in the literature in individuals affected with PDE6A-related conditions. An algorithm developed to predict the effect of missense changes on protein structure and function (PolyPhen-2) suggests that this variant is likely to be disruptive. In summary, the available evidence is currently insufficient to determine the role of this variant in disease. Therefore, it has been classified as a Variant of Uncertain Significance.